The following is an entry in ClinVar:

NM_006013.5(RPL10):c.*87C>G

Gene: RPL10 (ribosomal protein L10; plus strand). Cytogenetic location: Xq28.
Variant type: single nucleotide variant.
Coding change: c.*87C>G on transcript NM_006013.5 (MANE Select); 87 bases downstream of the stop codon, C replaced by G.
Molecular consequence: 3 prime UTR variant. On other transcripts: missense variant (1).
Genome position (GRCh38, 1-based): chrX:154,400,941, C>G. VCF-style: chrX-154400941-C-G. GRCh37 (hg19) VCF-style: chrX-153629282-C-G.
Other names: c.569C>G, p.Thr190Arg (NM_001256577.2); c.*87C>G (NM_001256580.2, NM_001303624.2, NM_001303625.1); c.*283C>G (NM_001303626.1); short protein forms T190R.
Identifiers: ClinVar variation 3032745 (VCV003032745.2), dbSNP rs782282641, ClinGen allele CA2579738695.

ClinVar aggregate classification (germline): Uncertain significance (0 of 4 stars; one submission).

Conditions:
RPL10-related disorder. Also called: RPL10-related condition.

Submission:

PreventionGenetics, part of Exact Sciences
Classification: Uncertain significance for RPL10-related condition. Last evaluated: 2024-02-14. Review status: no assertion criteria provided. Collection method: clinical testing. Allele origin: germline.
Comment: The RPL10 c.569C>G variant is predicted to result in the amino acid substitution p.Thr190Arg. To our knowledge, this variant has not been reported in the literature or in a large population database, indicating this variant is rare. At this time, the clinical significance of this variant is uncertain due to the absence of conclusive functional and genetic evidence.